The following is an entry in ClinVar:

ClinVar aggregate classification (germline): Pathogenic (1 of 4 stars; one submission).

Conditions:
Congenital adrenal hyperplasia. Identifiers: Orphanet 418, MedGen C0001627, MONDO:0018479, HP:0008258.

Submission:

Women's Health and Genetics/Laboratory Corporation of America, LabCorp
Classification: Pathogenic for Congenital adrenal hyperplasia. Last evaluated: 2026-06-24. Review status: criteria provided, single submitter. Criteria: LabCorp Variant Classification Summary - May 2015. Collection method: clinical testing. Allele origin: germline.
Comment: Variant summary: The variant involves the deletion of exons 3-7 in the CYP21A2 gene. A presumed nomenclature of c.(292+1_293-1)_(939+1_940-1)del has been designated for the purposes of this classification. This Copy Number Variant (CNV) is expected to alter the reading frame and predicted to result in a truncation or absence of the encoded protein due to nonsense mediated decay (NMD). Loss-of-function variants in this gene are known to be pathogenic. The frequency of this variant in the general population could not be determined as the technology used for large population databases (ExAC, gnomAD, ESP, 1000G) cannot detect variants of this type. To our knowledge, no occurrence of c.(292+1_293-1)_(939+1_940-1)del in individuals affected with CYP21A2-related conditions and no experimental evidence demonstrating its impact on protein function have been reported. However, a smaller copy number deletion variant encompassed by this deletion CNV (Exon 4-7 deletions) has been reported in the literature in affected individuals (PMID: 35882282) and has been classified as pathogenic by our lab. No submitters have cited clinical-significance assessments for this variant to ClinVar. Based on the evidence outlined above, the variant was classified as pathogenic.

NC_000006.11:g.(32006589_32006870)_(32007983_32008182)del

Gene: CYP21A2 (cytochrome P450 family 21 subfamily A member 2; plus strand). Cytogenetic location: 6p21.33.
Variant type: Deletion.
Identifiers: ClinVar variation 4887718 (VCV004887718.1).